The following is an entry in ClinVar:

NM_005591.4(MRE11):c.937G>A (p.Val313Ile)

Gene: MRE11 (MRE11 double strand break repair nuclease; minus strand). Cytogenetic location: 11q21.
Variant type: single nucleotide variant.
Coding change: c.937G>A on transcript NM_005591.4 (MANE Select); coding-DNA position 937, G replaced by A.
Protein change: p.Val313Ile; replaces valine 313 with isoleucine.
Molecular consequence: missense variant.
Genome position (GRCh38, 1-based): chr11:94,470,551, C>T on the plus strand (G>A on the coding strand, the complement: MRE11 is on the minus strand). VCF-style: chr11-94470551-C-T. GRCh37 (hg19) VCF-style: chr11-94203717-C-T.
Other names: c.937G>A, p.Val313Ile (NM_001330347.2, NM_005590.4); short protein forms V313I.
Identifiers: ClinVar variation 1799909 (VCV001799909.4), dbSNP rs750646012, ClinGen allele CA6235257.

ClinVar aggregate classification (germline): Uncertain significance (1 of 4 stars; one submission).

Conditions:
Hereditary cancer-predisposing syndrome. Also called: Neoplastic Syndromes, Hereditary; Tumor predisposition; Hereditary Cancer Syndrome; Hereditary neoplastic syndrome. Identifiers: Orphanet 140162, MedGen C0027672, MeSH D009386, MONDO:0015356.

Allele frequency attached by ClinVar (database versions not stated): TOPMed below 0.00001; ExAC 0.00001.

Submission:

Ambry Genetics
Classification: Uncertain significance for Hereditary cancer-predisposing syndrome. Last evaluated: 2025-07-31. Review status: criteria provided, single submitter. Criteria: Ambry Variant Classification Scheme 2023. Collection method: clinical testing. Allele origin: germline.
Comment: The p.V313I variant (also known as c.937G>A), located in coding exon 8 of the MRE11A gene, results from a G to A substitution at nucleotide position 937. The valine at codon 313 is replaced by isoleucine, an amino acid with highly similar properties. This amino acid position is well conserved in available vertebrate species. In addition, this alteration is predicted to be tolerated by in silico analysis. Since supporting evidence is limited at this time, the clinical significance of this alteration remains unclear.